The following is an entry in ClinVar:

ClinVar aggregate classification (germline): Pathogenic/Likely pathogenic. Review status: criteria provided, multiple submitters, no conflicts (2 of 4 stars). 4 submissions from 4 submitters: Pathogenic (3); Likely pathogenic (1). Last evaluated 2026-03-16.

Conditions:
Dystonia 12 (DYT12). Also called: DYT-ATP1A3; Rapid-Onset Dystonia-Parkinsonism (RDP). Identifiers: Orphanet 71517, MedGen C1868681, MONDO:0007496, OMIM 128235.
Developmental and epileptic encephalopathy 99. Identifiers: MedGen C5562018, MONDO:0030473, OMIM 619606.

Submissions (4):

GeneDx
Classification: Pathogenic. Last evaluated: 2026-03-16. Review status: criteria provided, single submitter. Criteria: GeneDx Variant Classification Process June 2021. Collection method: clinical testing. Allele origin: germline.
Comment: Not observed at significant frequency in large population cohorts (gnomAD); In silico analysis supports that this missense variant has a deleterious effect on protein structure/function; This variant is associated with the following publications: (PMID: 26410222, 36801247)

Labcorp Genetics (formerly Invitae), Labcorp
Classification: Pathogenic for Dystonia 12. Last evaluated: 2023-10-28. Review status: criteria provided, single submitter. Criteria: Invitae Variant Classification Sherloc (09022015). Collection method: clinical testing. Allele origin: germline.
Comment: This sequence change replaces leucine, which is neutral and non-polar, with proline, which is neutral and non-polar, at codon 715 of the ATP1A3 protein (p.Leu715Pro). This variant is not present in population databases (gnomAD no frequency). This missense change has been observed in individual(s) with alternating hemiplegia of childhood (PMID: 26410222). In at least one individual the variant was observed to be de novo. ClinVar contains an entry for this variant (Variation ID: 1039236). Advanced modeling of protein sequence and biophysical properties (such as structural, functional, and spatial information, amino acid conservation, physicochemical variation, residue mobility, and thermodynamic stability) performed at Invitae indicates that this missense variant is expected to disrupt ATP1A3 protein function with a positive predictive value of 95%. For these reasons, this variant has been classified as Pathogenic.

Clinical Genetics Laboratory, Skane University Hospital Lund
Classification: Pathogenic. Last evaluated: 2022-05-27. Review status: criteria provided, single submitter. Criteria: ACMG Guidelines, 2015. Collection method: clinical testing. Allele origin: germline. Affected: yes.

Neuberg Centre For Genomic Medicine, NCGM
Classification: Likely pathogenic for Developmental and epileptic encephalopathy 99. Review status: criteria provided, single submitter. Criteria: ACMG Guidelines, 2015. Collection method: clinical testing. Allele origin: germline. Affected: yes.
Comment: The missense variant p.L715P in ATP1A3 (NM_152296.5) has been previously reported as a de novo variant in patients with Alternating Hemiplegia of Childhood (Panagiotakaki E et al,Viollet L et al). The variant has been submitted to ClinVar as Uncertain Significance.The p.L715P variant is novel (not in any individuals) in gnomAD Exomes and is novel (not in any individuals) in 1000 Genomes.The p.L715P missense variant is predicted to be damaging by both SIFT and PolyPhen2. The leucine residue at codon 715 of ATP1A3 is conserved in all mammalian species. The nucleotide c.2144 in ATP1A3 is predicted conserved by GERP++ and PhyloP across 100 vertebrates. For these reasons, this variant has been classified as Likely Pathogenic

Literature cited by the submitters: PubMed 26410222 (cited by Labcorp Genetics (formerly Invitae), Labcorp).

NM_152296.5(ATP1A3):c.2144T>C (p.Leu715Pro)

Gene: ATP1A3 (ATPase Na+/K+ transporting subunit alpha 3; minus strand). Cytogenetic location: 19q13.2.
Variant type: single nucleotide variant.
Coding change: c.2144T>C on transcript NM_152296.5 (MANE Select); coding-DNA position 2144, T replaced by C.
Protein change: p.Leu715Pro; replaces leucine 715 with proline.
Molecular consequence: missense variant.
Genome position (GRCh38, 1-based): chr19:41,975,748, A>G on the plus strand (T>C on the coding strand, the complement: ATP1A3 is on the minus strand). VCF-style: chr19-41975748-A-G. GRCh37 (hg19) VCF-style: chr19-42479900-A-G.
Other names: c.2177T>C, p.Leu726Pro (NM_001256213.2); c.2183T>C, p.Leu728Pro (NM_001256214.2); short protein forms L715P, L726P, L728P.
Identifiers: ClinVar variation 1039236 (VCV001039236.10), dbSNP rs2075159021, ClinGen allele CA406042104.